The following is an entry in ClinVar:

ClinVar aggregate classification (germline): Uncertain significance (1 of 4 stars; one submission).

Conditions:
DICER1-related tumor predisposition. Also called: DICER1-related pleuropulmonary blastoma cancer predisposition syndrome; DICER1 syndrome. Identifiers: Orphanet 284343, MedGen C3839822, MONDO:0100216.

gnomAD v4.1: 2 of 1,614,062 alleles (0.00012%); highest among the groups gnomAD compares: South Asian, 0.0022%; no homozygotes.

Submission:

Labcorp Genetics (formerly Invitae), Labcorp
Classification: Uncertain significance for DICER1-related tumor predisposition. Last evaluated: 2025-10-18. Review status: criteria provided, single submitter. Criteria: Invitae Variant Classification Sherloc (09022015). Collection method: clinical testing. Allele origin: germline.
Comment: This sequence change replaces isoleucine, which is neutral and non-polar, with leucine, which is neutral and non-polar, at codon 528 of the DICER1 protein (p.Ile528Leu). This variant is present in population databases (no rsID available, gnomAD 0.003%). This variant has not been reported in the literature in individuals affected with DICER1-related conditions. Invitae Evidence Modeling of protein sequence and biophysical properties (such as structural, functional, and spatial information, amino acid conservation, physicochemical variation, residue mobility, and thermodynamic stability) indicates that this missense variant is not expected to disrupt DICER1 protein function with a negative predictive value of 95%. In summary, the available evidence is currently insufficient to determine the role of this variant in disease. Therefore, it has been classified as a Variant of Uncertain Significance.

NM_177438.3(DICER1):c.1582A>C (p.Ile528Leu)

Gene: DICER1 (dicer 1, ribonuclease III; minus strand). Cytogenetic location: 14q32.13.
Variant type: single nucleotide variant.
Coding change: c.1582A>C on transcript NM_177438.3 (MANE Select); coding-DNA position 1582, A replaced by C.
Protein change: p.Ile528Leu; replaces isoleucine 528 with leucine.
Molecular consequence: missense variant. On other transcripts: non-coding transcript variant (6), intron variant (1).
Genome position (GRCh38, 1-based): chr14:95,116,623, T>G on the plus strand (A>C on the coding strand, the complement: DICER1 is on the minus strand). VCF-style: chr14-95116623-T-G. GRCh37 (hg19) VCF-style: chr14-95582960-T-G.
Other names: c.1582A>C, p.Ile528Leu (NM_001195573.1, NM_001271282.3, NM_001291628.2 and 12 more transcripts); c.1300A>C, p.Ile434Leu (NM_001395686.1); c.1177A>C, p.Ile393Leu (NM_001395687.1, NM_001395688.1, NM_001395689.1 and 3 more transcripts); c.1015A>C, p.Ile339Leu (NM_001395691.1); c.-59-43A>C (NM_001395697.1); short protein forms I393L, I434L, I528L, I339L.
Identifiers: ClinVar variation 4694175 (VCV004694175.1).